The following is an entry in ClinVar:

ClinVar aggregate classification (germline): Pathogenic (1 of 4 stars; one submission).

Conditions:
Nemaline myopathy 2 (NEM2). Also called: Nemaline myopathy 2, autosomal recessive. Identifiers: MedGen C1850569, MONDO:0009725, OMIM 256030.

Submission:

Labcorp Genetics (formerly Invitae), Labcorp
Classification: Pathogenic for Nemaline myopathy 2. Last evaluated: 2020-11-21. Review status: criteria provided, single submitter. Criteria: Invitae Variant Classification Sherloc (09022015). Collection method: clinical testing. Allele origin: germline.
Comment: This sequence change creates a premature translational stop signal (p.Trp4463*) in the NEB gene. It is expected to result in an absent or disrupted protein product. Loss-of-function variants in NEB are known to be pathogenic (PMID: 25205138). The frequency data for this variant in the population databases (ExAC) is considered unreliable due to the presence of homologous sequence, such as pseudogenes or paralogs, in the genome. This variant has been observed in individual(s) with Nemaline myopathy (PMID: 29669168). For these reasons, this variant has been classified as Pathogenic. This variant occurs in a region of NEB (Exons 82-105) consisting of three highly homologous 8-exon repeat units (exons 82-89, exons 90-97, exons 98-105). Sequence variants in this region can be detected, but this assay cannot determine which of the three repeat units is affected, and zygosity is often ambiguous. All variants in this region are reported relative to the exon 82-89 repeat.

Literature cited by the submitters: PubMed 25205138; PubMed 29669168.

NM_001164508.2(NEB):c.13389G>A (p.Trp4463Ter)

Gene: NEB (nebulin; minus strand). Cytogenetic location: 2q23.3.
Variant type: single nucleotide variant.
Coding change: c.13389G>A on transcript NM_001164508.2 (MANE Select); coding-DNA position 13389, G replaced by A.
Protein change: p.Trp4463Ter; replaces tryptophan 4463 with a stop codon.
Molecular consequence: nonsense. On other transcripts: intron variant (1).
Genome position (GRCh38, 1-based): chr2:151,601,988, C>T on the plus strand (G>A on the coding strand, the complement: NEB is on the minus strand). VCF-style: chr2-151601988-C-T. GRCh37 (hg19) VCF-style: chr2-152458502-C-T.
Other names: c.13389G>A, p.Trp4463Ter (NM_001164507.2, NM_001271208.2); c.11601+7821G>A (NM_004543.5); short protein forms W4463*.
Identifiers: ClinVar variation 1412093 (VCV001412093.8), dbSNP rs2153924098, ClinGen allele CA348769467.